The following is an entry in ClinVar:

ClinVar aggregate classification (germline): Uncertain significance (1 of 4 stars; one submission).

Submission:

Dasa
Classification: Uncertain significance. Last evaluated: 2025-05-05. Review status: criteria provided, single submitter. Criteria: DASA Assertion Criteria. Collection method: clinical testing. Allele origin: germline.
Comment: NM_001366145.2(TRPM3):c.883G>A (p.Ala295Thr) is a missense variant that results in the substitution of alanine with threonine. This variant is absent from population databases. Computational prediction algorithms are consistent with a benign effect. The currently available literature and clinical evidence are not sufficient to establish a definitive association between this variant and the reported condition. Therefore, this variant is classified as a variant of uncertain significance.

NM_001366145.2(TRPM3):c.883G>A (p.Ala295Thr)

Gene: TRPM3 (transient receptor potential cation channel subfamily M member 3; minus strand). Cytogenetic location: 9q21.12.
Variant type: single nucleotide variant.
Coding change: c.883G>A on transcript NM_001366145.2 (MANE Select); coding-DNA position 883, G replaced by A.
Protein change: p.Ala295Thr; replaces alanine 295 with threonine.
Molecular consequence: missense variant.
Genome position (GRCh38, 1-based): chr9:70,827,937, C>T on the plus strand (G>A on the coding strand, the complement: TRPM3 is on the minus strand). VCF-style: chr9-70827937-C-T. GRCh37 (hg19) VCF-style: chr9-73442853-C-T.
Other names: c.424G>A, p.Ala142Thr (NM_001007470.3, NM_001366154.2, NM_020952.6 and 6 more transcripts); c.883G>A, p.Ala295Thr (NM_001007471.4, NM_001366146.2, NM_001366147.2 and 6 more transcripts); c.889G>A, p.Ala297Thr (NM_001366141.2, NM_001366142.2, NM_001366143.2 and 1 more transcripts); short protein forms A142T, A295T, A297T.
Identifiers: ClinVar variation 4881487 (VCV004881487.2).